The following is an entry in ClinVar:

NM_015158.5(KANK1):c.3996G>A (p.Pro1332=)

Gene: KANK1 (KN motif and ankyrin repeat domains 1; plus strand). Cytogenetic location: 9p24.3.
Variant type: single nucleotide variant.
Coding change: c.3996G>A on transcript NM_015158.5 (MANE Select); coding-DNA position 3996, G replaced by A.
Protein change: p.Pro1332=; no amino-acid change (proline 1332 retained).
Molecular consequence: synonymous variant. On other transcripts: non-coding transcript variant (1).
Genome position (GRCh38, 1-based): chr9:744,589, G>A. VCF-style: chr9-744589-G-A. GRCh37 (hg19) VCF-style: chr9-744589-G-A.
Other names: c.3996G>A, p.Pro1332= (NM_001256876.3, NM_001256877.3, NM_001354334.2); c.3756G>A, p.Pro1252= (NM_001354331.2); c.3468G>A, p.Pro1156= (NM_001354338.2, NM_001354340.2, NM_001354344.2); c.3282G>A, p.Pro1094= (NM_001354339.2, NM_001354342.2, NM_001354343.2); c.3942G>A, p.Pro1314= (NM_001354332.2); c.3522G>A, p.Pro1174= (NM_001354333.2, NM_001354335.2, NM_001354337.2 and 2 more transcripts); c.3228G>A, p.Pro1076= (NM_001354336.2); c.3996G>A (NM_015158.2).
Identifiers: ClinVar variation 1299864 (VCV001299864.12), dbSNP rs115382946, ClinGen allele CA4961288.
Genomic context (GRCh38, chr9:744,589, plus strand): 5'-ACACAAGGACATCGCTGTTCTTCTGTATGCCCATGTCAACTTTGCAAAAGCCCAGTCTCC[G>A]GTCAGTGTTGTGCATTTGGCATTTGTAAATAGGCTGAAATCCACCAGACTGGTGGACCCC-3'
Protein context (NP_055973.2, residues 1322-1342): AHVNFAKAQS[Pro1332=]GTPRLGRKTS

ClinVar aggregate classification (germline): Uncertain significance. Review status: criteria provided, multiple submitters, no conflicts (2 of 4 stars). 5 submissions from 5 submitters: Uncertain significance (3). 2 of the submissions do not count toward it. Last evaluated 2024-03-05.

Conditions:
Cerebral palsy, spastic quadriplegic, 2 (CPSQ2). Identifiers: Orphanet 210141, MedGen C2752061, MONDO:0013033, OMIM 612900.

Allele frequency attached by ClinVar (database versions not stated): ExAC 0.00005; gnomAD exomes 0.00010; gnomAD 0.00013; TOPMed 0.00013.
gnomAD v4.1: 282 of 1,613,944 alleles (0.017%); highest among the groups gnomAD compares: Non-Finnish European, 0.02%; no homozygotes.

Submissions (7):

Labcorp Genetics (formerly Invitae), Labcorp
Classification: Uncertain significance. Last evaluated: 2024-03-05. Review status: criteria provided, single submitter. Criteria: Invitae Variant Classification Sherloc (09022015). Collection method: clinical testing. Allele origin: germline.
Comment: This sequence change affects codon 1332 of the KANK1 mRNA. It is a 'silent' change, meaning that it does not change the encoded amino acid sequence of the KANK1 protein. This variant also falls at the last nucleotide of exon 11, which is part of the consensus splice site for this exon. This variant is present in population databases (rs115382946, gnomAD 0.03%). This variant has not been reported in the literature in individuals affected with KANK1-related conditions. ClinVar contains an entry for this variant (Variation ID: 1299864). Variants that disrupt the consensus splice site are a relatively common cause of aberrant splicing (PMID: 17576681, 9536098). Algorithms developed to predict the effect of sequence changes on RNA splicing suggest that this variant may disrupt the consensus splice site. In summary, the available evidence is currently insufficient to determine the role of this variant in disease. Therefore, it has been classified as a Variant of Uncertain Significance.

Ambry Genetics
Classification: Uncertain significance. Last evaluated: 2024-02-20. Review status: criteria provided, single submitter. Criteria: Ambry Variant Classification Scheme 2023. Collection method: clinical testing. Allele origin: germline.
Comment: Occurs in the last base pair of the exon; Does not currently meet published gene-disease clinical validity criteria Based on insufficient or conflicting evidence, the clinical significance of this alteration remains unclear.

Fulgent Genetics
Classification: Uncertain significance for Cerebral palsy, spastic quadriplegic, 2. Last evaluated: 2021-10-27. Review status: criteria provided, single submitter. Criteria: ACMG Guidelines, 2015. Collection method: clinical testing. Allele origin: unknown.

Clinical Genetics DNA and cytogenetics Diagnostics Lab, Erasmus MC, Erasmus Medical Center
Classification: Uncertain significance. Review status: no assertion criteria provided. Collection method: clinical testing. Allele origin: germline. Affected: yes. Study: VKGL Data-share Consensus. Not counted in ClinVar's aggregate classification.

Diagnostic Laboratory, Department of Genetics, University Medical Center Groningen
Classification: Uncertain significance. Review status: no assertion criteria provided. Collection method: clinical testing. Allele origin: germline. Affected: yes. Study: VKGL Data-share Consensus. Not counted in ClinVar's aggregate classification.

Dr. Peter K. Rogan Lab, Western University
No classification provided (evidence only). Condition: Uterine corpus endometrial carcinoma. Review status: no classification provided. Collection method: in vitro. Allele origin: not applicable. Functional consequence: retained intron. Not counted in ClinVar's aggregate classification.

Dr. Peter K. Rogan Lab, Western University
No classification provided (evidence only). Condition: Hepatocellular carcinoma. Review status: no classification provided. Collection method: in vitro. Allele origin: not applicable. Functional consequence: skipped exon, retained intron. Not counted in ClinVar's aggregate classification.

Literature cited by the submitters: PubMed 17576681 (cited by Labcorp Genetics (formerly Invitae), Labcorp); PubMed 9536098 (cited by Labcorp Genetics (formerly Invitae), Labcorp); PubMed 28106320 (cited by Ambry Genetics).